The following is an entry in ClinVar:

ClinVar aggregate classification (germline): Likely benign. Review status: criteria provided, multiple submitters, no conflicts (2 of 4 stars). 4 submissions from 4 submitters: Likely benign (2). 2 of the submissions do not count toward it. Last evaluated 2026-01-27.

Conditions:
Epidermolysis bullosa dystrophica. Also called: Dystrophic epidermolysis bullosa, Hallopeau-Siemens type (formerly); Dystrophic epidermolysis bullosa. Identifiers: Orphanet 303, MedGen C0079294, MONDO:0006543.
COL7A1-related disorder. Also called: COL7A1-related condition; COL7A1- related disorders.

Allele frequency attached by ClinVar (database versions not stated): ExAC 0.00016; ESP Exome Variant Server 0.00038; gnomAD 0.00045; TOPMed 0.00058; 1000 Genomes Project 0.00060; 1000 Genomes Project 30x 0.00078.
gnomAD v4.1: 181 of 1,612,996 alleles (0.011%); highest among the groups gnomAD compares: African/African-American, 0.23%; 2 homozygotes.

Submissions (4):

Labcorp Genetics (formerly Invitae), Labcorp
Classification: Likely benign. Last evaluated: 2026-01-27. Review status: criteria provided, single submitter. Criteria: Invitae Variant Classification Sherloc (09022015). Collection method: clinical testing. Allele origin: germline.

Mayo Clinic Laboratories, Mayo Clinic
Classification: Likely benign. Last evaluated: 2025-10-16. Review status: criteria provided, single submitter. Criteria: ACMG Guidelines, 2015. Collection method: clinical testing. Allele origin: germline. Observed: 1 variant allele.
Comment: BS1, BP4, BP7

Natera, Inc.
Classification: Uncertain significance for Dystrophic epidermolysis bullosa. Last evaluated: 2020-01-24. Review status: no assertion criteria provided. Collection method: clinical testing. Allele origin: germline. Not counted in ClinVar's aggregate classification.

PreventionGenetics, part of Exact Sciences
Classification: Likely benign for COL7A1-related condition. Last evaluated: 2019-04-25. Review status: no assertion criteria provided. Collection method: clinical testing. Allele origin: germline. Not counted in ClinVar's aggregate classification.
Comment: This variant is classified as likely benign based on ACMG/AMP sequence variant interpretation guidelines (Richards et al. 2015 PMID: 25741868, with internal and published modifications).

NM_000094.4(COL7A1):c.3140-4A>T

Gene: COL7A1 (collagen type VII alpha 1 chain; minus strand). Cytogenetic location: 3p21.31.
Variant type: single nucleotide variant.
Coding change: c.3140-4A>T on transcript NM_000094.4 (MANE Select); 4 bases into the intron before coding-DNA position 3140, A replaced by T.
Molecular consequence: intron variant.
Genome position (GRCh38, 1-based): chr3:48,587,112, T>A on the plus strand (A>T on the coding strand, the complement: COL7A1 is on the minus strand). VCF-style: chr3-48587112-T-A. GRCh37 (hg19) VCF-style: chr3-48624545-T-A.
Other names: p.?.
Identifiers: ClinVar variation 750541 (VCV000750541.14), dbSNP rs201656230, ClinGen allele CA2380621.